The following is an entry in ClinVar:

NM_000321.3(RB1):c.1715T>C (p.Leu572Pro)

Gene: RB1 (RB transcriptional corepressor 1; plus strand). Cytogenetic location: 13q14.2.
Variant type: single nucleotide variant.
Coding change: c.1715T>C on transcript NM_000321.3 (MANE Select); coding-DNA position 1715, T replaced by C.
Protein change: p.Leu572Pro; replaces leucine 572 with proline.
Molecular consequence: missense variant.
Genome position (GRCh38, 1-based): chr13:48,453,012, T>C. VCF-style: chr13-48453012-T-C. GRCh37 (hg19) VCF-style: chr13-49027148-T-C.
Other names: c.1715T>C, p.Leu572Pro (NM_001407165.1); short protein forms L572P.
Identifiers: ClinVar variation 4744030 (VCV004744030.1).

ClinVar aggregate classification (germline): Uncertain significance (1 of 4 stars; one submission).

Conditions:
Retinoblastoma (RB1). Also called: RETINOBLASTOMA, SOMATIC. Identifiers: Orphanet 790, MedGen C0035335, MeSH D012175, MONDO:0008380, OMIM 180200, HP:0009919. Disease mechanism: loss of function. Inheritance: Both sporadic and heritable forms are tested..

Submission:

Labcorp Genetics (formerly Invitae), Labcorp
Classification: Uncertain significance for Retinoblastoma. Last evaluated: 2025-08-13. Review status: criteria provided, single submitter. Criteria: Invitae Variant Classification Sherloc (09022015). Collection method: clinical testing. Allele origin: germline.
Comment: This sequence change replaces leucine, which is neutral and non-polar, with proline, which is neutral and non-polar, at codon 572 of the RB1 protein (p.Leu572Pro). This variant is not present in population databases (gnomAD no frequency). This variant has not been reported in the literature in individuals affected with RB1-related conditions. Invitae Evidence Modeling of protein sequence and biophysical properties (such as structural, functional, and spatial information, amino acid conservation, physicochemical variation, residue mobility, and thermodynamic stability) indicates that this missense variant is expected to disrupt RB1 protein function with a positive predictive value of 80%. In summary, the available evidence is currently insufficient to determine the role of this variant in disease. Therefore, it has been classified as a Variant of Uncertain Significance.